The following is an entry in ClinVar:

NM_002524.5(NRAS):c.203G>T (p.Arg68Ile)

Gene: NRAS (NRAS proto-oncogene, GTPase; minus strand). Cytogenetic location: 1p13.2.
Variant type: single nucleotide variant.
Coding change: c.203G>T on transcript NM_002524.5 (MANE Select); coding-DNA position 203, G replaced by T.
Protein change: p.Arg68Ile; replaces arginine 68 with isoleucine.
Molecular consequence: missense variant.
Genome position (GRCh38, 1-based): chr1:114,713,887, C>A on the plus strand (G>T on the coding strand, the complement: NRAS is on the minus strand). VCF-style: chr1-114713887-C-A. GRCh37 (hg19) VCF-style: chr1-115256508-C-A.
Other names: c.203G>T (NM_002524.4); short protein forms R68I.
Identifiers: ClinVar variation 3338000 (VCV003338000.4).

ClinVar aggregate classification (germline): Conflicting classifications of pathogenicity. Review status: criteria provided, conflicting classifications (1 of 4 stars). 3 submissions from 3 submitters: Pathogenic (1); Uncertain significance (2). Last evaluated 2025-03-06.

Conditions:
NRAS-related disorder. Also called: NRAS-related condition.
Noonan syndrome 6 (NS6). Also called: NRAS-Related Noonan Syndrome. Identifiers: Orphanet 648, MedGen C2750732, MONDO:0013186, OMIM 613224.

Submissions (3):

PreventionGenetics, part of Exact Sciences
Classification: Uncertain significance for NRAS-related condition. Last evaluated: 2025-03-06. Review status: criteria provided, single submitter. Criteria: ACMG Guidelines, 2015. Collection method: clinical testing. Allele origin: germline.
Comment: The NRAS c.203G>T variant is predicted to result in the amino acid substitution p.Arg68Ile. To our knowledge, this variant has not been reported in the literature or in a large population database (gnomAD), indicating this variant is rare. At this time, the clinical significance of this variant is uncertain due to the absence of conclusive functional and genetic evidence.

MVZ Medizinische Genetik Mainz
Classification: Uncertain significance for Noonan syndrome 6. Last evaluated: 2024-07-22. Review status: criteria provided, single submitter. Criteria: UK Practice Guidelines For Variant Classification V4 01 2020. Collection method: clinical testing. Allele origin: germline. Inheritance: Autosomal dominant inheritance. Affected: yes. Observed: 1 variant allele.
Comment: ACMG Criteria: PM2_SUP_MOD,PP2,PP3

Laboratory of Otorhinolaryngology, Head and Neck Surgery, Inje University Ilsan Paik Hospital
Classification: Pathogenic for Noonan syndrome 6. Last evaluated: 2024-03-30. Review status: criteria provided, single submitter. Criteria: ACMG Guidelines, 2015. Collection method: clinical testing. Allele origin: germline. Affected: yes.
Comment: The c.203G>T variant in NRAS has not been previously reported with suspected or confirmed Noonan syndrome. This variant is not present in population databases (gnomAD no frequency). It is expected to result in an absent or disrupted protein product due to gain-of-function variants in NRAS (PMID: 28098151). In summary, this variant meets criteria to be classified as pathogenic for Noonan syndrome based on the ACMG/AMP criteria.